The following is an entry in ClinVar:

ClinVar aggregate classification (germline): Benign/Likely benign. Review status: criteria provided, multiple submitters, no conflicts (2 of 4 stars). 3 submissions from 3 submitters: Benign (1); Likely benign (2). Last evaluated 2025-01-14.

Conditions:
Hereditary cancer-predisposing syndrome. Also called: Tumor predisposition; Neoplastic Syndromes, Hereditary; Hereditary Cancer Syndrome; Hereditary neoplastic syndrome. Identifiers: Orphanet 140162, MedGen C0027672, MeSH D009386, MONDO:0015356.
Oligodontia-cancer predisposition syndrome. Also called: TOOTH AGENESIS-COLORECTAL CANCER SYNDROME. Identifiers: Orphanet 300576, MedGen C1837750, MONDO:0012075, OMIM 608615. Disease mechanism: loss of function.

Submissions (3):

Labcorp Genetics (formerly Invitae), Labcorp
Classification: Likely benign for Oligodontia-cancer predisposition syndrome. Last evaluated: 2025-01-14. Review status: criteria provided, single submitter. Criteria: Invitae Variant Classification Sherloc (09022015). Collection method: clinical testing. Allele origin: germline.

Myriad Genetics, Inc.
Classification: Benign for Oligodontia-cancer predisposition syndrome. Last evaluated: 2024-07-09. Review status: criteria provided, single submitter. Criteria: Myriad Autosomal Dominant, Autosomal Recessive and X-Linked Classification Criteria (2023). Collection method: clinical testing. Allele origin: unknown.
Comment: This variant is considered benign. This variant is a silent/synonymous amino acid change and it is not expected to impact splicing.

Ambry Genetics
Classification: Likely benign for Hereditary cancer-predisposing syndrome. Last evaluated: 2023-11-04. Review status: criteria provided, single submitter. Criteria: Ambry Variant Classification Scheme 2023. Collection method: clinical testing. Allele origin: germline.

NM_004655.4(AXIN2):c.1935C>T (p.Pro645=)

Gene: AXIN2 (axin 2; minus strand). Cytogenetic location: 17q24.1.
Variant type: single nucleotide variant.
Coding change: c.1935C>T on transcript NM_004655.4 (MANE Select); coding-DNA position 1935, C replaced by T.
Protein change: p.Pro645=; no amino-acid change (proline 645 retained).
Molecular consequence: synonymous variant.
Genome position (GRCh38, 1-based): chr17:65,536,526, G>A on the plus strand (C>T on the coding strand, the complement: AXIN2 is on the minus strand). VCF-style: chr17-65536526-G-A. GRCh37 (hg19) VCF-style: chr17-63532644-G-A.
Other names: c.1935C>T (NM_004655.3); c.1740C>T, p.Pro580= (NM_001363813.1).
Identifiers: ClinVar variation 1104537 (VCV001104537.11), dbSNP rs2144443906, ClinGen allele CA501691009.